The following is an entry in ClinVar:

NM_000277.3(PAH):c.806del (p.Ile269fs)

Gene: PAH (phenylalanine hydroxylase; minus strand). Cytogenetic location: 12q23.2.
Variant type: Deletion.
Coding change: c.806del on transcript NM_000277.3 (MANE Select); coding-DNA position 806, one base deleted (T; older notation c.806delT).
Protein change: p.Ile269fs; shifts the reading frame from isoleucine 269.
Molecular consequence: frameshift variant.
Genome position (GRCh38, 1-based): chr12:102,852,851, A deleted on the plus strand (T on the coding strand, the reverse complement: PAH is on the minus strand). VCF-style (leftmost placement, unchanged base first): chr12-102852850-GA-G. GRCh37 (hg19) VCF-style: chr12-103246628-GA-G.
Other names: NM_000277.2(PAH):c.806delT; c.806del, p.Ile269fs (NM_001354304.2); c.806del (NM_000277.1); c.806delT (NM_000277.3, NM_000277.2); short protein forms I269fs.
Identifiers: ClinVar variation 102844 (VCV000102844.24), dbSNP rs62508687, ClinGen allele CA229778.

ClinVar aggregate classification (germline): Pathogenic. Review status: reviewed by expert panel (3 of 4 stars). 9 submissions from 9 submitters: Pathogenic (1). 8 of the submissions do not count toward it. Last evaluated 2018-08-10.

Conditions:
PAH-related disorder. Also called: PAH-related condition.
Phenylketonuria (PKU). Also called: FOLLING DISEASE; Phenylketonuria (PKU); Phenylketonurias; OLIGOPHRENIA PHENYLPYRUVICA. Identifiers: Orphanet 716, MedGen C0031485, MONDO:0009861, OMIM 261600. Disease mechanism: loss of function.

Allele frequency attached by ClinVar (database versions not stated): TOPMed 0.00001; gnomAD exomes 0.00002; gnomAD 0.00002.

Submissions (9):

ClinGen PAH Variant Curation Expert Panel
Classification: Pathogenic for Phenylketonuria. Last evaluated: 2018-08-10. Review status: reviewed by expert panel. Criteria: ClinGen PAH ACMG Specifications v1. Collection method: curation. Allele origin: germline. Inheritance: Autosomal recessive inheritance.
Comment: PAH-specific ACMG/AMP criteria applied: PVS1: Frameshift variant; PM2: Extremely low frequency. gnomAD MAF=0.00007.; BH4 deficiency not assessed. (PMID:9012412). In summary this variant meets criteria to be classified as pathogenic for phenylketonuria in an autosomal recessive manner based on the ACMG/AMP criteria applied as specified by the PAH Expert Panel: (PVS1, PM2, PP4).

GeneDx
Classification: Pathogenic. Last evaluated: 2026-04-21. Review status: criteria provided, single submitter. Criteria: GeneDx Variant Classification Process June 2021. Collection method: clinical testing. Allele origin: germline. Not counted in ClinVar's aggregate classification.
Comment: Identified in patients with phenylalanine hydroxylase deficiency and unclassified with respect to tetrahydropterin (BH4) therapy ( (PMID: 23430918, 24368688); Frameshift variant predicted to result in protein truncation or nonsense mediated decay in a gene for which loss of function is a known mechanism of disease; Not observed at significant frequency in large population cohorts (gnomAD); This variant is associated with the following publications: (PMID: 17502162, 9012412, 24368688, 32668217, 18937047, 23430918)

PreventionGenetics, part of Exact Sciences
Classification: Pathogenic for PAH-related condition. Last evaluated: 2025-07-21. Review status: criteria provided, single submitter. Criteria: ACMG Guidelines, 2015. Collection method: clinical testing. Allele origin: germline. Not counted in ClinVar's aggregate classification.
Comment: The PAH c.806delT variant is predicted to result in a frameshift and premature protein termination (p.Ile269Thrfs*72). This variant has been reported along with a second pathogenic PAH variant in multiple individuals with phenylalanine hydroxylase deficiency and is considered a classic phenylketonuria (cPKU) variant (Tables S2 and S3, Hillert et al. 2020. PubMed ID: 32668217). This variant is interpreted as pathogenic by the ClinGen PAH Variant Curation Expert Panel as well as multiple other submitters to ClinVar. This variant is reported in 0.0065% of alleles in individuals of European (Non-Finnish) descent in gnomAD. Frameshift variants in PAH are expected to be pathogenic. This variant is interpreted as pathogenic.

Labcorp Genetics (formerly Invitae), Labcorp
Classification: Pathogenic for Phenylketonuria. Last evaluated: 2024-07-31. Review status: criteria provided, single submitter. Criteria: Invitae Variant Classification Sherloc (09022015). Collection method: clinical testing. Allele origin: germline. Not counted in ClinVar's aggregate classification.
Comment: This sequence change creates a premature translational stop signal (p.Ile269Thrfs*72) in the PAH gene. It is expected to result in an absent or disrupted protein product. Loss-of-function variants in PAH are known to be pathogenic (PMID: 1301187, 9634518). This variant is present in population databases (rs62508687, gnomAD 0.007%). This premature translational stop signal has been observed in individuals with phenylketonuria (PMID: 9012412, 17502162, 18937047, 23430918, 24368688). This variant is also known as 1269fsdelT. ClinVar contains an entry for this variant (Variation ID: 102844). For these reasons, this variant has been classified as Pathogenic.

Natera, Inc.
Classification: Pathogenic for Phenylketonuria. Last evaluated: 2024-04-25. Review status: criteria provided, single submitter. Criteria: Natera Variant Classification Schema (03/2026). Collection method: clinical testing. Allele origin: germline. Not counted in ClinVar's aggregate classification.
Comment: The c.806delT variant in PAH is a frameshift variant predicted to shift the reading frame beginning at codon 269 and leads to a stop codon 72 codons downstream. This variant is expected to result in nonsense mediated decay, truncation, or a dysfunctional protein product. This variant is rare in the general population with a frequency below the threshold expected for the associated phenotype(s). This variant has been observed in one or more individuals affected with the associated recessive disease, as either homozygous or compound heterozygous with a second variant (PMID: 17502162, 23430918, 24368688). Given the available evidence, this variant is classified as Pathogenic.

Women's Health and Genetics/Laboratory Corporation of America, LabCorp
Classification: Pathogenic for Phenylketonuria. Last evaluated: 2019-06-06. Review status: criteria provided, single submitter. Criteria: LabCorp Variant Classification Summary - May 2015. Collection method: clinical testing. Allele origin: germline. Not counted in ClinVar's aggregate classification.
Comment: Variant summary: PAH c.806delT (p.Ile269ThrfsX72) results in a premature termination codon, predicted to cause a truncation of the encoded protein or absence of the protein due to nonsense mediated decay, which are commonly known mechanisms for disease. Truncations downstream of this position have been classified as pathogenic by our laboratory. The variant was absent in 251364 control chromosomes. c.806delT has been reported in the literature in individuals affected with Phenylalanine Hydroxylase Deficiency (Phenylketonuria) (Tyfield_1997, Dombrowolski_2007, Sarkissian_2011, Ho_2013). These data indicate that the variant is likely to be associated with disease. To our knowledge, no experimental evidence demonstrating an impact on protein function has been reported. Four ClinVar submissions from clinical diagnostic laboratories and one expert panel (ClinGen) classify the variant as pathogenic three times and once as likely pathogenic. Based on the evidence outlined above, the variant was classified as pathogenic.

Eurofins Ntd Llc (ga)
Classification: Pathogenic. Last evaluated: 2017-06-14. Review status: criteria provided, single submitter. Criteria: EGL Classification Definitions 2015. Collection method: clinical testing. Allele origin: germline. Observed: 2 variant alleles, 2 heterozygotes. Not counted in ClinVar's aggregate classification.

Counsyl
Classification: Likely pathogenic for Phenylketonuria. Last evaluated: 2016-03-03. Review status: no assertion criteria provided. Collection method: clinical testing. Allele origin: unknown. Not counted in ClinVar's aggregate classification.

DeBelle Laboratory for Biochemical Genetics, MUHC/MCH RESEARCH INSTITUTE
No classification provided. Review status: no classification provided. Collection method: not provided. Allele origin: not provided. Not counted in ClinVar's aggregate classification.

Literature cited by the submitters: PubMed 9012412 (cited by 5 submitters); PubMed 1301187 (cited by Labcorp Genetics (formerly Invitae), Labcorp); PubMed 9634518 (cited by Labcorp Genetics (formerly Invitae), Labcorp); PubMed 17502162 (cited by 4 submitters); PubMed 18937047 (cited by Labcorp Genetics (formerly Invitae), Labcorp); PubMed 23430918 (cited by 4 submitters); PubMed 24368688 (cited by 4 submitters).